The following is an entry in ClinVar:

NM_005460.4(SNCAIP):c.2291C>T (p.Pro764Leu)

Genes: SNCAIP-AS3 (SNCAIP antisense RNA 3; minus strand), SNCAIP (synuclein alpha interacting protein; plus strand). Cytogenetic location: 5q23.2.
Variant type: single nucleotide variant.
Coding change: c.2291C>T on transcript NM_005460.4 (MANE Select); coding-DNA position 2291, C replaced by T.
Protein change: p.Pro764Leu; replaces proline 764 with leucine.
Molecular consequence: missense variant. On other transcripts: non-coding transcript variant (2).
Genome position (GRCh38, 1-based): chr5:122,451,138, C>T. VCF-style: chr5-122451138-C-T. GRCh37 (hg19) VCF-style: chr5-121786833-C-T.
Other names: c.1193C>T, p.Pro398Leu (NM_001242935.3, NM_001308107.2); c.2432C>T, p.Pro811Leu (NM_001308100.2); c.2111C>T, p.Pro704Leu (NM_001308105.1); c.1187C>T, p.Pro396Leu (NM_001308106.1); c.1373C>T, p.Pro458Leu (NM_001308108.1); c.1079C>T, p.Pro360Leu (NM_001308109.2); short protein forms P396L, P704L, P764L, P811L, P360L, P398L, P458L.
Identifiers: ClinVar variation 905318 (VCV000905318.4), dbSNP rs201185316, ClinGen allele CA3385058.

ClinVar aggregate classification (germline): Likely benign (1 of 4 stars; one submission).

Conditions:
Parkinson Disease, Dominant/Recessive.

Allele frequency attached by ClinVar (database versions not stated): ESP Exome Variant Server 0.00008; TOPMed 0.00013; 1000 Genomes Project 0.00020; gnomAD 0.00026; gnomAD exomes 0.00030 and 0.00047; 1000 Genomes Project 30x 0.00031; ExAC 0.00034.
gnomAD v4.1: 474 of 1,614,150 alleles (0.029%); highest among the groups gnomAD compares: Admixed American, 0.082%; 1 homozygote.

Submission:

Illumina Laboratory Services, Illumina
Classification: Likely benign for Parkinson Disease, Dominant/Recessive. Last evaluated: 2018-01-13. Review status: criteria provided, single submitter. Criteria: ICSL Variant Classification Criteria 13 December 2019. Collection method: clinical testing. Allele origin: germline.
Comment: This variant was observed in the ICSL laboratory as part of a predisposition screen in an ostensibly healthy population. It had not been previously curated by ICSL or reported in the Human Gene Mutation Database (HGMD: prior to June 1st, 2018), and was therefore a candidate for classification through an automated scoring system. Utilizing variant allele frequency, disease prevalence and penetrance estimates, and inheritance mode, an automated score was calculated to assess if this variant is too frequent to cause the disease. Based on the score and internal cut-off values, a variant classified as likely benign is not then subjected to further curation. The score for this variant resulted in a classification of likely benign for this disease.